The following is an entry in ClinVar:

NM_000435.3(NOTCH3):c.5136C>G (p.Ser1712Arg)

Gene: NOTCH3 (notch receptor 3; minus strand). Cytogenetic location: 19p13.12.
Variant type: single nucleotide variant.
Coding change: c.5136C>G on transcript NM_000435.3 (MANE Select); coding-DNA position 5136, C replaced by G.
Protein change: p.Ser1712Arg; replaces serine 1712 with arginine.
Molecular consequence: missense variant.
Genome position (GRCh38, 1-based): chr19:15,170,149, G>C on the plus strand (C>G on the coding strand, the complement: NOTCH3 is on the minus strand). VCF-style: chr19-15170149-G-C. GRCh37 (hg19) VCF-style: chr19-15280960-G-C.
Other names: short protein forms S1712R.
Identifiers: ClinVar variation 1305438 (VCV001305438.2), dbSNP rs1360797131, ClinGen allele CA404496870.

ClinVar aggregate classification (germline): Uncertain significance (1 of 4 stars; one submission).

gnomAD v4.1: 5 of 1,605,352 alleles (0.00031%); highest among the groups gnomAD compares: Non-Finnish European, 0.00034%; no homozygotes.

Submission:

GeneDx
Classification: Uncertain significance. Last evaluated: 2019-05-01. Review status: criteria provided, single submitter. Criteria: GeneDx Variant Classification Process June 2021. Collection method: clinical testing. Allele origin: germline. Affected: yes.
Comment: Has not been previously published as pathogenic or benign to our knowledge; Not observed in large population cohorts (Lek et al., 2016); In silico analysis, which includes protein predictors and evolutionary conservation, supports a deleterious effect